The following is an entry in ClinVar:

ClinVar aggregate classification (germline): Uncertain significance. Review status: criteria provided, multiple submitters, no conflicts (2 of 4 stars). 2 submissions from 2 submitters: Uncertain significance (2). Last evaluated 2021-09-01.

Conditions:
Developmental and epileptic encephalopathy, 32 (DEE32). Also called: Epileptic encephalopathy, early infantile, 32. Identifiers: Orphanet 442835, MedGen C4225350, MONDO:0014607, OMIM 616366.

Submissions (2):

Labcorp Genetics (formerly Invitae), Labcorp
Classification: Uncertain significance for Developmental and epileptic encephalopathy, 32. Last evaluated: 2021-09-01. Review status: criteria provided, single submitter. Criteria: Invitae Variant Classification Sherloc (09022015). Collection method: clinical testing. Allele origin: germline.
Comment: This sequence change replaces tyrosine with cysteine at codon 417 of the KCNA2 protein (p.Tyr417Cys). The tyrosine residue is highly conserved and there is a large physicochemical difference between tyrosine and cysteine. In summary, the available evidence is currently insufficient to determine the role of this variant in disease. Therefore, it has been classified as a Variant of Uncertain Significance. Advanced modeling of protein sequence and biophysical properties (such as structural, functional, and spatial information, amino acid conservation, physicochemical variation, residue mobility, and thermodynamic stability) performed at Invitae indicates that this missense variant is expected to disrupt KCNA2 protein function. ClinVar contains an entry for this variant (Variation ID: 623698). This missense change has been observed in individual(s) with clinical features of autosomal dominant KCNA2-related conditions (PMID: 33802230). This variant is not present in population databases (ExAC no frequency).

CeGaT Center for Human Genetics Tuebingen
Classification: Uncertain significance. Last evaluated: 2018-08-01. Review status: criteria provided, single submitter. Criteria: CeGaT Center For Human Genetics Tuebingen Variant Classification Criteria Version 2. Collection method: clinical testing. Allele origin: germline. Affected: yes. Observed: 2 variant alleles.

Literature cited by the submitters: PubMed 33802230 (cited by Labcorp Genetics (formerly Invitae), Labcorp).

NM_004974.4(KCNA2):c.1250A>G (p.Tyr417Cys)

Gene: KCNA2 (potassium voltage-gated channel subfamily A member 2; minus strand). Cytogenetic location: 1p13.3.
Variant type: single nucleotide variant.
Coding change: c.1250A>G on transcript NM_004974.4 (MANE Select); coding-DNA position 1250, A replaced by G.
Protein change: p.Tyr417Cys; replaces tyrosine 417 with cysteine.
Molecular consequence: missense variant. On other transcripts: intron variant (1).
Genome position (GRCh38, 1-based): chr1:110,603,533, T>C on the plus strand (A>G on the coding strand, the complement: KCNA2 is on the minus strand). VCF-style: chr1-110603533-T-C. GRCh37 (hg19) VCF-style: chr1-111146155-T-C.
Other names: c.894+356A>G (NM_001204269.2); short protein forms Y417C.
Identifiers: ClinVar variation 623698 (VCV000623698.48), dbSNP rs1557731858, ClinGen allele CA341601135.